The following is an entry in ClinVar:

NM_001127222.2(CACNA1A):c.1781+18C>A

Gene: CACNA1A (calcium voltage-gated channel subunit alpha1 A; minus strand). Cytogenetic location: 19p13.13.
Variant type: single nucleotide variant.
Coding change: c.1781+18C>A on transcript NM_001127222.2 (MANE Select); 18 bases into the intron after coding-DNA position 1781, C replaced by A.
Molecular consequence: intron variant.
Genome position (GRCh38, 1-based): chr19:13,308,398, G>T on the plus strand (C>A on the coding strand, the complement: CACNA1A is on the minus strand). VCF-style: chr19-13308398-G-T. GRCh37 (hg19) VCF-style: chr19-13419212-G-T.
Other names: c.1784+18C>A (NM_001127221.2, NM_001174080.2, NM_000068.4 and 1 more transcripts).
Identifiers: ClinVar variation 382684 (VCV000382684.10), dbSNP rs16013, ClinGen allele CA9240741.

ClinVar aggregate classification (germline): Benign. Review status: criteria provided, multiple submitters, no conflicts (2 of 4 stars). 3 submissions from 3 submitters: Benign (3). Last evaluated 2026-02-03.

Conditions:
Episodic ataxia type 2 (EA2). Also called: ATAXIA, EPISODIC, WITH NYSTAGMUS; ATAXIA, FAMILIAL PAROXYSMAL; CEREBELLAR ATAXIA, PAROXYSMAL, ACETAZOLAMIDE-RESPONSIVE; CEREBELLOPATHY, HEREDITARY PAROXYSMAL; EPISODIC ATAXIA, NYSTAGMUS-ASSOCIATED; ACETAZOLAMIDE-RESPONSIVE HEREDITARY PAROXYSMAL CEREBELLAR ATAXIA. Identifiers: Orphanet 97, MedGen C1720416, MONDO:0007163, OMIM 108500.
Developmental and epileptic encephalopathy, 42 (DEE42A). Also called: Epileptic encephalopathy, early infantile, 42; DEVELOPMENTAL AND EPILEPTIC ENCEPHALOPATHY 42A; EPILEPTIC ENCEPHALOPATHY, EARLY INFANTILE, 42A. Identifiers: MedGen C4310716, MONDO:0014917, OMIM 617106.

Allele frequency attached by ClinVar (database versions not stated): gnomAD 0.02240 and 0.02392; ESP Exome Variant Server 0.02334; TOPMed 0.02505; 1000 Genomes Project 30x 0.02842; 1000 Genomes Project 0.02855; gnomAD exomes 0.00545; ExAC 0.00951.
gnomAD v4.1: 6,402 of 1,576,432 alleles (0.41%); highest among the groups gnomAD compares: African/African-American, 7.5%; 211 homozygotes.

Submissions (3):

Labcorp Genetics (formerly Invitae), Labcorp
Classification: Benign for Developmental and epileptic encephalopathy, 42; Episodic ataxia type 2. Last evaluated: 2026-02-03. Review status: criteria provided, single submitter. Criteria: Invitae Variant Classification Sherloc (09022015). Collection method: clinical testing. Allele origin: germline.

GeneDx
Classification: Benign. Last evaluated: 2016-01-15. Review status: criteria provided, single submitter. Criteria: GeneDx Variant Classification (06012015). Collection method: clinical testing. Allele origin: germline. Affected: yes.
Comment: This variant is considered likely benign or benign based on one or more of the following criteria: it is a conservative change, it occurs at a poorly conserved position in the protein, it is predicted to be benign by multiple in silico algorithms, and/or has population frequency not consistent with disease.

Breakthrough Genomics
Classification: Benign. Review status: criteria provided, single submitter. Criteria: ACMG Guidelines, 2015. Collection method: not provided. Allele origin: germline. Inheritance: Autosomal dominant inheritance. Affected: yes.